The following is an entry in ClinVar:

ClinVar aggregate classification (germline): Uncertain significance (1 of 4 stars; one submission).

Conditions:
Inborn genetic diseases. Identifiers: MedGen C0950123, MeSH D030342.

Submission:

Ambry Genetics
Classification: Uncertain significance for Inborn genetic diseases. Last evaluated: 2026-03-11. Review status: criteria provided, single submitter. Criteria: Ambry Variant Classification Scheme 2023. Collection method: clinical testing. Allele origin: germline.
Comment: The p.S209F variant (also known as c.626C>T), located in coding exon 8 of the ASXL1 gene, results from a C to T substitution at nucleotide position 626. The serine at codon 209 is replaced by phenylalanine, an amino acid with highly dissimilar properties. This amino acid position is conserved. In addition, this alteration is predicted to be tolerated by in silico analysis. Based on the available evidence, the clinical significance of this variant remains unclear.

NM_015338.6(ASXL1):c.626C>T (p.Ser209Phe)

Gene: ASXL1 (ASXL transcriptional regulator 1; plus strand). Cytogenetic location: 20q11.21.
Variant type: single nucleotide variant.
Coding change: c.626C>T on transcript NM_015338.6 (MANE Select); coding-DNA position 626, C replaced by T.
Protein change: p.Ser209Phe; replaces serine 209 with phenylalanine.
Molecular consequence: missense variant. On other transcripts: intron variant (1).
Genome position (GRCh38, 1-based): chr20:32,429,961, C>T. VCF-style: chr20-32429961-C-T. GRCh37 (hg19) VCF-style: chr20-31017764-C-T.
Other names: c.535+530C>T (NM_001363734.1); short protein forms S209F.
Identifiers: ClinVar variation 4827430 (VCV004827430.1).